The following is an entry in ClinVar:

ClinVar aggregate classification (germline): Uncertain significance (1 of 4 stars; one submission).

Conditions:
Genitopatellar syndrome (GTPTS). Also called: Genitopatellar syndrome (GPS); ABSENT PATELLAE, SCROTAL HYPOPLASIA, RENAL ANOMALIES, FACIAL DYSMORPHISM, AND MENTAL RETARDATION. Identifiers: Orphanet 85201, MedGen C1853566, MONDO:0011640, OMIM 606170.

Submission:

Labcorp Genetics (formerly Invitae), Labcorp
Classification: Uncertain significance for Genitopatellar syndrome. Last evaluated: 2023-03-27. Review status: criteria provided, single submitter. Criteria: Invitae Variant Classification Sherloc (09022015). Collection method: clinical testing. Allele origin: germline.
Comment: This variant, c.4526_4528del, results in the deletion of 1 amino acid(s) of the KAT6B protein (p.Gly1509del), but otherwise preserves the integrity of the reading frame. This variant is present in population databases (rs746334369, gnomAD 0.0009%). This variant has not been reported in the literature in individuals affected with KAT6B-related conditions. Experimental studies and prediction algorithms are not available or were not evaluated, and the functional significance of this variant is currently unknown. In summary, the available evidence is currently insufficient to determine the role of this variant in disease. Therefore, it has been classified as a Variant of Uncertain Significance.

NM_012330.4(KAT6B):c.4526_4528del (p.Gly1509del)

Gene: KAT6B (lysine acetyltransferase 6B; plus strand). Cytogenetic location: 10q22.2.
Variant type: Deletion.
Coding change: c.4526_4528del on transcript NM_012330.4 (MANE Select); coding-DNA positions 4526 to 4528, 3 bases deleted (GAG; older notation c.4526_4528delGAG).
Protein change: p.Gly1509del; deletes glycine 1509.
Molecular consequence: inframe deletion.
Genome position (GRCh38, 1-based): chr10:75,029,350-75,029,352, GAG deleted; deleting any 3 consecutive bases within chr10:75,029,348-75,029,352 gives the same sequence; the c. name uses the placement nearest the transcript's 3' end. VCF-style (leftmost placement, unchanged base first): chr10-75029347-CAGG-C. GRCh37 (hg19) VCF-style: chr10-76789105-CAGG-C.
Other names: c.3650_3652del, p.Gly1217del (NM_001370140.1, NM_001370141.1, NM_001370142.1 and 2 more transcripts); c.3461_3463del, p.Gly1154del (NM_001370143.1, NM_001370144.1); c.3977_3979del, p.Gly1326del (NM_001256468.2, NM_001370138.1); c.3488_3490del, p.Gly1163del (NM_001370132.1); c.2837_2839del, p.Gly946del (NM_001370133.1); c.2441_2443del, p.Gly814del (NM_001370134.1); c.2183_2185del, p.Gly728del (NM_001370135.1); c.4526_4528del, p.Gly1509del (NM_001370136.1, NM_001370137.1); short protein forms G1217del, G1326del, G946del, G1163del, G728del, G814del, G1509del, G1154del.
Identifiers: ClinVar variation 2811899 (VCV002811899.3), dbSNP rs746334369, ClinGen allele CA5565048.